The following is an entry in ClinVar:

NM_001110556.2(FLNA):c.387C>T (p.Ile129=)

Gene: FLNA (filamin A; minus strand). Cytogenetic location: Xq28.
Variant type: single nucleotide variant.
Coding change: c.387C>T on transcript NM_001110556.2 (MANE Select); coding-DNA position 387, C replaced by T.
Protein change: p.Ile129=; no amino-acid change (isoleucine 129 retained).
Molecular consequence: synonymous variant.
Genome position (GRCh38, 1-based): chrX:154,368,077, G>A on the plus strand (C>T on the coding strand, the complement: FLNA is on the minus strand). VCF-style: chrX-154368077-G-A. GRCh37 (hg19) VCF-style: chrX-153596445-G-A.
Other names: c.387C>T, p.Ile129= (NM_001456.4).
Identifiers: ClinVar variation 680891 (VCV000680891.12), dbSNP rs376726361, ClinGen allele CA10561414.

ClinVar aggregate classification (germline): Likely benign. Review status: criteria provided, multiple submitters, no conflicts (2 of 4 stars). 3 submissions from 3 submitters: Likely benign (3). Last evaluated 2025-04-29.

Conditions:
Frontometaphyseal dysplasia (FMD1). Identifiers: Orphanet 1826, MedGen C0265293, MONDO:0015942.
Oto-palato-digital syndrome, type II (OPD2). Also called: FACIOPALATOOSSEOUS SYNDROME; Otopalatodigital Syndrome, Type II; Otopalatodigital Syndrome Type 2 (FLNA-OPD2); OPD II SYNDROME. Identifiers: Orphanet 669, Orphanet 90652, MedGen C1844696, MONDO:0010571, OMIM 304120.
Heterotopia, periventricular, X-linked dominant (PVNH1). Also called: PERIVENTRICULAR NODULAR HETEROTOPIA 4; HETEROTOPIA, PERIVENTRICULAR, 1; PERIVENTRICULAR NODULAR HETEROTOPIA 1; X-linked periventricular heterotopia. Identifiers: Orphanet 2149, Orphanet 82004, MedGen C1848213, MONDO:0010233, OMIM 300049.
Melnick-Needles syndrome (MNS). Also called: Melnick-Needles Syndrome (FLNA-MNS); MELNICK-NEEDLES OSTEODYSPLASTY; OSTEODYSPLASTY OF MELNICK AND NEEDLES. Identifiers: Orphanet 2484, MedGen C0025237, MONDO:0010650, OMIM 309350.
Familial thoracic aortic aneurysm and aortic dissection (TAAD). Also called: Thoracic aortic aneurysms and dissections. Identifiers: Orphanet 91387, MedGen C4707243, MONDO:0019625.

Allele frequency attached by ClinVar (database versions not stated): gnomAD exomes below 0.00001 and 0.00002; TOPMed below 0.00001; ExAC 0.00002; gnomAD 0.00003; ESP Exome Variant Server 0.00010.
gnomAD v4.1: 7 of 1,208,217 alleles (0.00058%); highest among the groups gnomAD compares: African/African-American, 0.0053%; no homozygotes.

Submissions (3):

Labcorp Genetics (formerly Invitae), Labcorp
Classification: Likely benign for Oto-palato-digital syndrome, type II; Heterotopia, periventricular, X-linked dominant; Frontometaphyseal dysplasia; Melnick-Needles syndrome. Last evaluated: 2025-04-29. Review status: criteria provided, single submitter. Criteria: Invitae Variant Classification Sherloc (09022015). Collection method: clinical testing. Allele origin: germline.

GeneDx
Classification: Likely benign. Last evaluated: 2018-03-21. Review status: criteria provided, single submitter. Criteria: GeneDx Variant Classification (06012015). Collection method: clinical testing. Allele origin: germline. Affected: yes.
Comment: This variant is considered likely benign or benign based on one or more of the following criteria: it is a conservative change, it occurs at a poorly conserved position in the protein, it is predicted to be benign by multiple in silico algorithms, and/or has population frequency not consistent with disease.

Ambry Genetics
Classification: Likely benign for Familial thoracic aortic aneurysm and aortic dissection. Last evaluated: 2017-11-29. Review status: criteria provided, single submitter. Criteria: Ambry Variant Classification Scheme 2023. Collection method: clinical testing. Allele origin: germline.